The following is an entry in ClinVar:

NM_007294.4(BRCA1):c.3895C>G (p.Gln1299Glu)

Genes: BRCA1 (BRCA1 DNA repair associated; minus strand), LOC126862571 (BRD4-independent group 4 enhancer GRCh37_chr17:41243136-41244335; plus strand). Cytogenetic location: 17q21.31.
Variant type: single nucleotide variant.
Coding change: c.3895C>G on transcript NM_007294.4 (MANE Select); coding-DNA position 3895, C replaced by G.
Protein change: p.Gln1299Glu; replaces glutamine 1299 with glutamic acid.
Molecular consequence: missense variant. On other transcripts: intron variant (135).
Genome position (GRCh38, 1-based): chr17:43,091,636, G>C on the plus strand (C>G on the coding strand, the complement: BRCA1 is on the minus strand). VCF-style: chr17-43091636-G-C. GRCh37 (hg19) VCF-style: chr17-41243653-G-C.
Other names: c.3769C>G, p.Gln1257Glu (NM_001407687.1, NM_001407688.1, NM_001407689.1 and 11 more transcripts); c.3562C>G, p.Gln1188Glu (NM_001407951.1, NM_001407952.1, NM_001407953.1 and 6 more transcripts); c.3754C>G, p.Gln1252Glu (NM_001407692.1, NM_001407694.1, NM_001407695.1 and 29 more transcripts); c.3559C>G, p.Gln1187Glu (NM_001407954.1, NM_001407955.1, NM_001407956.1 and 1 more transcripts); c.3511C>G, p.Gln1171Glu (NM_001407962.1); c.3514C>G, p.Gln1172Glu (NM_001407963.1, NM_001407959.1, NM_001407960.1); c.1291C>G, p.Gln431Glu (NM_001407969.1, NM_001407968.1); c.3895C>G, p.Gln1299Glu (NM_007300.4, NM_001407581.1, NM_001407582.1 and 30 more transcripts); and 41 more; short protein forms Q1299E, Q1252E, Q1003E, Q1131E, Q1172E, Q1188E, Q1210E, Q1211E.
Identifiers: ClinVar variation 957851 (VCV000957851.13), dbSNP rs80357038, ClinGen allele CA10594174.
Genomic context (GRCh38, chr17:43,091,636, plus strand): 5'-CAATCAAGAAAGGATCCTGGGTGTTTGTATTTGCAGTCAAGTCTTCCAATTCACTGCACT[G>C]TGAAGAAAACAAGCTAGCAGAACATTTTGTTTCCTCACTAAGGTGATGTTCCTGAGATGC-3'
Protein context (NP_009225.1, residues 1289-1309): TKCSASLFSS[Gln1299Glu]CSELEDLTAN

ClinVar aggregate classification (germline): Conflicting classifications of pathogenicity. Review status: criteria provided, conflicting classifications (1 of 4 stars). 2 submissions from 2 submitters: Uncertain significance (1); Likely benign (1). Last evaluated 2025-12-08.

Conditions:
Hereditary cancer-predisposing syndrome. Also called: Tumor predisposition; Hereditary neoplastic syndrome; Neoplastic Syndromes, Hereditary; Hereditary Cancer Syndrome. Identifiers: Orphanet 140162, MedGen C0027672, MeSH D009386, MONDO:0015356.
Hereditary breast ovarian cancer syndrome. Also called: Hereditary breast and ovarian cancer; BRCA1- and BRCA2-Associated Hereditary Breast and Ovarian Cancer; Hereditary breast and/or ovarian cancer syndrome; Hereditary breast and ovarian cancer syndrome; Hereditary breast and ovarian cancer syndrome (HBOC); Breast and ovarian cancer. Identifiers: Orphanet 145, MedGen C0677776, MeSH D061325, MONDO:0003582. Disease mechanism: loss of function.

Submissions (2):

Labcorp Genetics (formerly Invitae), Labcorp
Classification: Uncertain significance for Hereditary breast ovarian cancer syndrome. Last evaluated: 2025-12-08. Review status: criteria provided, single submitter. Criteria: Invitae Variant Classification Sherloc (09022015). Collection method: clinical testing. Allele origin: germline.
Comment: This sequence change replaces glutamine, which is neutral and polar, with glutamic acid, which is acidic and polar, at codon 1299 of the BRCA1 protein (p.Gln1299Glu). This variant is not present in population databases (gnomAD no frequency). This variant has not been reported in the literature in individuals affected with BRCA1-related conditions. ClinVar contains an entry for this variant (Variation ID: 957851). Invitae Evidence Modeling of protein sequence and biophysical properties (such as structural, functional, and spatial information, amino acid conservation, physicochemical variation, residue mobility, and thermodynamic stability) indicates that this missense variant is expected to disrupt BRCA1 protein function with a positive predictive value of 80%. In summary, the available evidence is currently insufficient to determine the role of this variant in disease. Therefore, it has been classified as a Variant of Uncertain Significance.

University of Washington Department of Laboratory Medicine, University of Washington
Classification: Likely benign for Hereditary cancer-predisposing syndrome. Last evaluated: 2023-03-23. Review status: criteria provided, single submitter. Criteria: Dines et al. (Genet Med. 2020). Collection method: curation. Allele origin: germline.
Comment: Missense variant in a coldspot region where missense variants are very unlikely to be pathogenic (PMID:31911673).

BRCA1 coldspot (exon 11 using historical exon numbering). Reclassification based on statistical prior probability